The following is an entry in ClinVar:

ClinVar aggregate classification (germline): Pathogenic (1 of 4 stars; one submission).

Conditions:
Breast-ovarian cancer, familial, susceptibility to, 2 (BROVCA2). Also called: BRCA2 Hereditary Breast and Ovarian Cancer. Identifiers: Orphanet 145, MedGen C2675520, MONDO:0012933, OMIM 612555. Disease mechanism: loss of function.

Submission:

Dasa
Classification: Pathogenic for Breast-ovarian cancer, familial, susceptibility to, 2. Last evaluated: 2026-04-07. Review status: criteria provided, single submitter. Criteria: DASA Assertion Criteria. Collection method: clinical testing. Allele origin: germline.
Comment: NM_000059.4(BRCA2):c.696T>A (p.Tyr232*) introduces a premature termination codon predicted to result in loss of normal protein function. Loss-of-function is an established mechanism of disease for this gene. The variant is present at low frequency in population datasets. Based on the available data, this variant is classified as pathogenic.

NM_000059.4(BRCA2):c.696T>A (p.Tyr232Ter)

Gene: BRCA2 (BRCA2 DNA repair associated; plus strand). Cytogenetic location: 13q13.1.
Variant type: single nucleotide variant.
Coding change: c.696T>A on transcript NM_000059.4 (MANE Select); coding-DNA position 696, T replaced by A.
Protein change: p.Tyr232Ter; replaces tyrosine 232 with a stop codon.
Molecular consequence: nonsense. On other transcripts: non-coding transcript variant (1).
Genome position (GRCh38, 1-based): chr13:32,330,933, T>A. VCF-style: chr13-32330933-T-A. GRCh37 (hg19) VCF-style: chr13-32905070-T-A.
Other names: c.696T>A, p.Tyr232Ter (NM_001406719.1, NM_001406720.1, NM_001406721.1 and 1 more transcripts); c.327T>A, p.Tyr109Ter (NM_001406722.1); short protein forms Y109*, Y232*.
Identifiers: ClinVar variation 4851982 (VCV004851982.1).